The following is an entry in ClinVar:

NM_001352754.2(ARMC9):c.162dup (p.Ser55fs)

Gene: ARMC9 (armadillo repeat containing 9; plus strand). Cytogenetic location: 2q37.1.
Variant type: Duplication.
Coding change: c.162dup on transcript NM_001352754.2 (MANE Select); coding-DNA position 162, one base duplicated (A; older notation c.162dupA).
Protein change: p.Ser55fs; shifts the reading frame from serine 55.
Molecular consequence: frameshift variant. On other transcripts: non-coding transcript variant (1).
Genome position (GRCh38, 1-based): chr2:231,208,237, A duplicated; the last of 3 consecutive A bases (chr2:231,208,235-231,208,237); duplicating any one gives the same sequence. VCF-style (leftmost placement, unchanged base first): chr2-231208234-C-CA. GRCh37 (hg19) VCF-style: chr2-232072947-C-CA.
Other names: c.162dup, p.Ser55fs (NM_001271466.4, NM_001291656.2, NM_001352755.2 and 5 more transcripts); short protein forms S55fs.
Identifiers: ClinVar variation 1431518 (VCV001431518.7), dbSNP rs763539113, ClinGen allele CA2159853.

ClinVar aggregate classification (germline): Pathogenic/Likely pathogenic. Review status: criteria provided, multiple submitters, no conflicts (2 of 4 stars). 2 submissions from 2 submitters: Pathogenic (1); Likely pathogenic (1). Last evaluated 2024-02-12.

Conditions:
ARMC9-related disorder. Also called: ARMC9-related condition.

Submissions (2):

Blueprint Genetics
Classification: Likely pathogenic for ARMC9-related disorders. Last evaluated: 2024-02-12. Review status: criteria provided, single submitter. Criteria: ACMG Guidelines, 2015. Collection method: clinical testing. Allele origin: germline. Affected: yes. Observed: 3 variant alleles.

Labcorp Genetics (formerly Invitae), Labcorp
Classification: Pathogenic. Last evaluated: 2020-12-21. Review status: criteria provided, single submitter. Criteria: Invitae Variant Classification Sherloc (09022015). Collection method: clinical testing. Allele origin: germline.
Comment: This variant has not been reported in the literature in individuals with ARMC9-related conditions. For these reasons, this variant has been classified as Pathogenic. This variant is present in population databases (rs763539113, ExAC 0.01%). This sequence change creates a premature translational stop signal (p.Ser55Ilefs*13) in the ARMC9 gene. It is expected to result in an absent or disrupted protein product. Loss-of-function variants in ARMC9 are known to be pathogenic (PMID: 28625504).

Literature cited by the submitters: PubMed 28625504 (cited by Labcorp Genetics (formerly Invitae), Labcorp).